The following is an entry in ClinVar:

NM_001267550.2(TTN):c.46430-8C>T

Genes: TTN (titin; minus strand), TTN-AS1 (TTN antisense RNA 1; plus strand). Cytogenetic location: 2q31.2.
Variant type: single nucleotide variant.
Coding change: c.46430-8C>T on transcript NM_001267550.2 (MANE Select); 8 bases into the intron before coding-DNA position 46430, C replaced by T.
Molecular consequence: intron variant. On other transcripts: non-coding transcript variant (1).
Genome position (GRCh38, 1-based): chr2:178,619,895, G>A on the plus strand (C>T on the coding strand, the complement: TTN is on the minus strand). VCF-style: chr2-178619895-G-A. GRCh37 (hg19) VCF-style: chr2-179484622-G-A.
Other names: c.46430-8C>T (NM_001267550.1); c.19235-8C>T (NM_003319.4); c.19811-8C>T (NM_133437.4); c.19610-8C>T (NM_133432.3); c.38726-8C>T (NM_133378.4); c.41507-8C>T (NM_001256850.1).
Identifiers: ClinVar variation 467176 (VCV000467176.13), dbSNP rs773395217, ClinGen allele CA1995234.
Genomic context (GRCh38, chr2:178,619,895, plus strand): 5'-ACCAGGGGCTTCAAGAATATCTTGTGGAGGCCTGATGATCTCAACAGGAATTTCTGGAAA[G>A]AAAATGTGAAATAAATACAAATATGTTTACATTTTGATTAACAATTTTAAAAAATTGGTA-3'

ClinVar aggregate classification (germline): Likely benign. Review status: criteria provided, multiple submitters, no conflicts (2 of 4 stars). 3 submissions from 3 submitters: Likely benign (3). Last evaluated 2025-09-20.

Conditions:
TTN-related disorder. Also called: TTN-related condition; TTN-related disease; TTN-related disorders.
Autosomal recessive limb-girdle muscular dystrophy type 2J (LGMDR10). Also called: Limb-girdle muscular dystrophy, type 2J; MUSCULAR DYSTROPHY, LIMB-GIRDLE, AUTOSOMAL RECESSIVE 10. Identifiers: Orphanet 140922, MedGen C1837342, MONDO:0012127, OMIM 608807.
Dilated cardiomyopathy 1G (CMD1G). Identifiers: Orphanet 154, MedGen C1858763, MONDO:0011400, OMIM 604145.

Allele frequency attached by ClinVar (database versions not stated): gnomAD exomes below 0.00001 and 0.00001; ExAC 0.00002; gnomAD 0.00005 and 0.00006; TOPMed 0.00005.
gnomAD v4.1: 13 of 1,604,286 alleles (0.00081%); highest among the groups gnomAD compares: African/African-American, 0.016%; no homozygotes.

Submissions (3):

Labcorp Genetics (formerly Invitae), Labcorp
Classification: Likely benign for Dilated cardiomyopathy 1G; Autosomal recessive limb-girdle muscular dystrophy type 2J. Last evaluated: 2025-09-20. Review status: criteria provided, single submitter. Criteria: Invitae Variant Classification Sherloc (09022015). Collection method: clinical testing. Allele origin: germline.

PreventionGenetics, part of Exact Sciences
Classification: Likely benign for TTN-related condition. Last evaluated: 2025-05-25. Review status: criteria provided, single submitter. Criteria: ACMG Guidelines, 2015. Collection method: clinical testing. Allele origin: germline.
Comment: This variant is classified as likely benign based on ACMG/AMP sequence variant interpretation guidelines (Richards et al. 2015 PMID: 25741868, with internal and published modifications).

Athena Diagnostics
Classification: Likely benign. Last evaluated: 2020-11-12. Review status: criteria provided, single submitter. Criteria: Athena Diagnostics criteria. Collection method: clinical testing. Allele origin: unknown.